The following is an entry in ClinVar:

NM_001083962.2(TCF4):c.550-2A>G

Gene: TCF4 (transcription factor 4; minus strand). Cytogenetic location: 18q21.2.
Variant type: single nucleotide variant.
Coding change: c.550-2A>G on transcript NM_001083962.2 (MANE Select); the canonical splice acceptor site of the intron before coding-DNA position 550, A replaced by G.
Molecular consequence: splice acceptor variant. On other transcripts: missense variant (1).
Genome position (GRCh38, 1-based): chr18:55,279,658, T>C on the plus strand (A>G on the coding strand, the complement: TCF4 is on the minus strand). VCF-style: chr18-55279658-T-C. GRCh37 (hg19) VCF-style: chr18-52946889-T-C.
Other names: c.566A>G, p.Gln189Arg (NM_001243228.2); c.856-2A>G (NM_001243226.3); c.475-2A>G (NM_001369584.1, NM_001369576.1, NM_001369585.1 and 3 more transcripts); c.478-2A>G (NM_001369577.1, NM_001369582.1, NM_001243227.2 and 9 more transcripts); c.550-2A>G (NM_001369571.1, NM_001369567.1, NM_001369572.1 and 4 more transcripts); c.544-2A>G (NM_001243230.2); c.547-2A>G (NM_001369569.1, NM_001369573.1, NM_001369570.1); c.424-2A>G (NM_001243231.2, NM_001348211.2); and 4 more; short protein forms Q189R.
Identifiers: ClinVar variation 217015 (VCV000217015.10), dbSNP rs863224934, ClinGen allele CA278986.

ClinVar aggregate classification (germline): Pathogenic/Likely pathogenic. Review status: criteria provided, multiple submitters, no conflicts (2 of 4 stars). 4 submissions from 4 submitters: Pathogenic (1); Likely pathogenic (3). Last evaluated 2026-05-03.

Conditions:
Pitt-Hopkins syndrome (PTHS). Also called: ENCEPHALOPATHY, SEVERE EPILEPTIC, WITH AUTONOMIC DYSFUNCTION; MENTAL RETARDATION, SYNDROMAL, WITH INTERMITTENT HYPERVENTILATION. Identifiers: Orphanet 2896, MedGen C1970431, MONDO:0012589, OMIM 610954.

gnomAD v4.1: 1 of 1,613,910 alleles (0.000062%); no homozygotes.

Submissions (4):

GeneDx
Classification: Pathogenic. Last evaluated: 2026-05-03. Review status: criteria provided, single submitter. Criteria: GeneDx Variant Classification Process June 2021. Collection method: clinical testing. Allele origin: germline.
Comment: A splice defect in the TCF4 gene has been reported as a de novo variant in a patient with developmental delay, hypertonia, hypotonia, cerebral palsy, and elevated lactate in the published literature; however, the variant nomenclature was not provided (PMID: 25326637); Canonical splice site variant predicted to result in a null allele in a gene for which loss of function is a known mechanism of disease; Not observed at significant frequency in large population cohorts (gnomAD); This variant is associated with the following publications: (PMID: 25326637)

Dasa
Classification: Likely pathogenic. Last evaluated: 2025-07-17. Review status: criteria provided, single submitter. Criteria: DASA Assertion Criteria. Collection method: clinical testing. Allele origin: germline.
Comment: NM_001083962.2(TCF4):c.550-2A>G affects a canonical splice site and is predicted to disrupt normal RNA splicing. Loss of function is an established disease mechanism for TCF4 (PMID: 17478476; PMID: 29604340; PMID: 22045651). Also, this variant is rare in population databases. Based on the currently available evidence, this variant is classified as likely pathogenic.

Revvity Omics, Revvity
Classification: Likely pathogenic. Last evaluated: 2019-04-12. Review status: criteria provided, single submitter. Criteria: ACMG Guidelines, 2015. Collection method: clinical testing. Allele origin: germline.

UCLA Clinical Genomics Center, UCLA
Classification: Likely pathogenic for Pitt-Hopkins syndrome. Last evaluated: 2012-02-21. Review status: criteria provided, single submitter. Criteria: Lee et al. (JAMA. 2014). Collection method: clinical testing. Allele origin: de novo. Inheritance: Autosomal dominant inheritance. Affected: yes. Study: CES.

Literature cited by the submitters: PubMed 17478476 (cited by Dasa); PubMed 29604340 (cited by Dasa); PubMed 22045651 (cited by Dasa).